The following is an entry in ClinVar:

NM_005477.3(HCN4):c.3233G>A (p.Arg1078His)

Gene: HCN4 (hyperpolarization activated cyclic nucleotide gated potassium channel 4; minus strand). Cytogenetic location: 15q24.1.
Variant type: single nucleotide variant.
Coding change: c.3233G>A on transcript NM_005477.3 (MANE Select); coding-DNA position 3233, G replaced by A.
Protein change: p.Arg1078His; replaces arginine 1078 with histidine.
Molecular consequence: missense variant.
Genome position (GRCh38, 1-based): chr15:73,322,860, C>T on the plus strand (G>A on the coding strand, the complement: HCN4 is on the minus strand). VCF-style: chr15-73322860-C-T. GRCh37 (hg19) VCF-style: chr15-73615201-C-T.
Other names: c.3233G>A (NM_005477.2); short protein forms R1078H.
Identifiers: ClinVar variation 1019749 (VCV001019749.8), dbSNP rs1429735613, ClinGen allele CA393085969.

ClinVar aggregate classification (germline): Uncertain significance. Review status: criteria provided, multiple submitters, no conflicts (2 of 4 stars). 2 submissions from 2 submitters: Uncertain significance (2). Last evaluated 2024-01-22.

Conditions:
Brugada syndrome 8 (BRGDA8). Identifiers: Orphanet 130, MedGen C2751083, MONDO:0013148, OMIM 613123.
Cardiovascular phenotype. Identifiers: MedGen CN230736.

Allele frequency attached by ClinVar (database versions not stated): gnomAD 0.00001; gnomAD exomes 0.00001.
gnomAD v4.1: 14 of 1,491,844 alleles (0.00094%); highest among the groups gnomAD compares: South Asian, 0.0042%; no homozygotes.

Submissions (2):

Ambry Genetics
Classification: Uncertain significance for Cardiovascular phenotype. Last evaluated: 2024-01-22. Review status: criteria provided, single submitter. Criteria: Ambry Variant Classification Scheme 2023. Collection method: clinical testing. Allele origin: germline.
Comment: The p.R1078H variant (also known as c.3233G>A), located in coding exon 8 of the HCN4 gene, results from a G to A substitution at nucleotide position 3233. The arginine at codon 1078 is replaced by histidine, an amino acid with highly similar properties. This amino acid position is conserved. In addition, the in silico prediction for this alteration is inconclusive. Based on the available evidence, the clinical significance of this alteration remains unclear.

Labcorp Genetics (formerly Invitae), Labcorp
Classification: Uncertain significance for Brugada syndrome 8. Last evaluated: 2020-12-01. Review status: criteria provided, single submitter. Criteria: Invitae Variant Classification Sherloc (09022015). Collection method: clinical testing. Allele origin: germline.
Comment: This variant has not been reported in the literature in individuals with HCN4-related conditions. Algorithms developed to predict the effect of missense changes on protein structure and function are either unavailable or do not agree on the potential impact of this missense change (SIFT: "Deleterious"; PolyPhen-2: "Probably Damaging"; Align-GVGD: "Class C0"). In summary, the available evidence is currently insufficient to determine the role of this variant in disease. Therefore, it has been classified as a Variant of Uncertain Significance. The frequency data for this variant in the population databases is considered unreliable, as metrics indicate insufficient coverage at this position in the ExAC database. This sequence change replaces arginine with histidine at codon 1078 of the HCN4 protein (p.Arg1078His). The arginine residue is highly conserved and there is a small physicochemical difference between arginine and histidine.